The following is an entry in ClinVar:

ClinVar aggregate classification (germline): Pathogenic (1 of 4 stars; one submission).

Submission:

Labcorp Genetics (formerly Invitae), Labcorp
Classification: Pathogenic. Last evaluated: 2023-10-30. Review status: criteria provided, single submitter. Criteria: Invitae Variant Classification Sherloc (09022015). Collection method: clinical testing. Allele origin: germline.
Comment: This sequence change creates a premature translational stop signal (p.Cys536*) in the ITGB4 gene. It is expected to result in an absent or disrupted protein product. Loss-of-function variants in ITGB4 are known to be pathogenic (PMID: 11328943, 16473856). This variant is not present in population databases (gnomAD no frequency). This variant has not been reported in the literature in individuals affected with ITGB4-related conditions. For these reasons, this variant has been classified as Pathogenic.

Literature cited by the submitters: PubMed 11328943; PubMed 16473856.

NM_000213.5(ITGB4):c.1608C>A (p.Cys536Ter)

Gene: ITGB4 (integrin subunit beta 4; plus strand). Cytogenetic location: 17q25.1.
Variant type: single nucleotide variant.
Coding change: c.1608C>A on transcript NM_000213.5 (MANE Select); coding-DNA position 1608, C replaced by A.
Protein change: p.Cys536Ter; replaces cysteine 536 with a stop codon.
Molecular consequence: nonsense.
Genome position (GRCh38, 1-based): chr17:75,733,643, C>A. VCF-style: chr17-75733643-C-A. GRCh37 (hg19) VCF-style: chr17-73729724-C-A.
Other names: c.1608C>A, p.Cys536Ter (NM_001005619.2, NM_001005731.3, NM_001321123.2); short protein forms C536*.
Identifiers: ClinVar variation 2772937 (VCV002772937.3), dbSNP rs2545755699, ClinGen allele CA401051766.